The following is an entry in ClinVar:

ClinVar aggregate classification (germline): Conflicting classifications of pathogenicity. Review status: criteria provided, conflicting classifications (1 of 4 stars). 5 submissions from 5 submitters: Uncertain significance (4); Likely benign (1). Last evaluated 2025-10-13.

Conditions:
Lynch syndrome. Identifiers: Orphanet 144, MedGen C4552100, MONDO:0005835. Disease mechanism: loss of function.
Hereditary cancer-predisposing syndrome. Also called: Tumor predisposition; Hereditary Cancer Syndrome; Hereditary neoplastic syndrome; Neoplastic Syndromes, Hereditary. Identifiers: Orphanet 140162, MedGen C0027672, MeSH D009386, MONDO:0015356.
Hereditary nonpolyposis colorectal neoplasms. Identifiers: MedGen C0009405, MeSH D003123.

Allele frequency attached by ClinVar (database versions not stated): TOPMed 0.00001.
gnomAD v4.1: 2 of 1,614,048 alleles (0.00012%); highest among the groups gnomAD compares: African/African-American, 0.0013%; no homozygotes.

Submissions (5):

Labcorp Genetics (formerly Invitae), Labcorp
Classification: Likely benign for Hereditary nonpolyposis colorectal neoplasms. Last evaluated: 2025-10-13. Review status: criteria provided, single submitter. Criteria: Invitae Variant Classification Sherloc (09022015). Collection method: clinical testing. Allele origin: germline.

Quest Diagnostics Nichols Institute San Juan Capistrano
Classification: Uncertain significance. Last evaluated: 2024-11-18. Review status: criteria provided, single submitter. Criteria: Quest Diagnostics criteria. Collection method: clinical testing. Allele origin: unknown.
Comment: The MSH6 c.491A>T (p.His164Leu) variant has not been reported in individuals with MSH6-related conditions in the published literature. The frequency of this variant in the general population, 0.000004 (1/251422 chromosomes (Genome Aggregation Database)), is uninformative in the assessment of its pathogenicity. Analysis of this variant using bioinformatics tools for the prediction of the effect of amino acid changes on protein structure and function yielded predictions that this variant is benign. Based on the available information, we are unable to determine the clinical significance of this variant.

Ambry Genetics
Classification: Uncertain significance for Hereditary cancer-predisposing syndrome. Last evaluated: 2024-03-15. Review status: criteria provided, single submitter. Criteria: Ambry Variant Classification Scheme 2023. Collection method: clinical testing. Allele origin: germline.
Comment: The p.H164L variant (also known as c.491A>T), located in coding exon 3 of the MSH6 gene, results from an A to T substitution at nucleotide position 491. The histidine at codon 164 is replaced by leucine, an amino acid with similar properties. This amino acid position is not well conserved in available vertebrate species. In addition, this alteration is predicted to be tolerated by in silico analysis. Since supporting evidence is limited at this time, the clinical significance of this alteration remains unclear.

GeneDx
Classification: Uncertain significance. Last evaluated: 2024-02-16. Review status: criteria provided, single submitter. Criteria: GeneDx Variant Classification Process June 2021. Collection method: clinical testing. Allele origin: germline. Affected: yes.
Comment: Not observed at significant frequency in large population cohorts (gnomAD); In silico analysis supports that this missense variant does not alter protein structure/function; Has not been previously published as pathogenic or benign to our knowledge

All of Us Research Program, National Institutes of Health
Classification: Uncertain significance for Lynch syndrome. Last evaluated: 2024-01-11. Review status: criteria provided, single submitter. Criteria: ACMG Guidelines, 2015. Collection method: clinical testing. Allele origin: germline. Inheritance: Autosomal dominant inheritance. Observed: 1 variant allele, 1 heterozygote.
Comment: This study involves interpretation of variants in research participants for the purpose of population health screening. Participant phenotype was not available at the time of variant classification. Additional details can be found in publication PMID: 35346344, PMCID: PMC8962531

NM_000179.3(MSH6):c.491A>T (p.His164Leu)

Gene: MSH6 (mutS homolog 6; plus strand). Cytogenetic location: 2p16.3.
Variant type: single nucleotide variant.
Coding change: c.491A>T on transcript NM_000179.3 (MANE Select); coding-DNA position 491, A replaced by T.
Protein change: p.His164Leu; replaces histidine 164 with leucine.
Molecular consequence: missense variant. On other transcripts: 5 prime UTR variant (1), intron variant (2).
Genome position (GRCh38, 1-based): chr2:47,795,927, A>T. VCF-style: chr2-47795927-A-T. GRCh37 (hg19) VCF-style: chr2-48023066-A-T.
Other names: c.-412A>T (NM_001281494.2); c.-279-2684A>T (NM_001281493.2); c.238-2684A>T (NM_001281492.2); short protein forms H164L.
Identifiers: ClinVar variation 410488 (VCV000410488.24), dbSNP rs146469162, ClinGen allele CA073064.